The following is an entry in ClinVar:

NM_000031.6(ALAD):c.16G>A (p.Val6Ile)

Gene: ALAD (aminolevulinate dehydratase; minus strand). Cytogenetic location: 9q32.
Variant type: single nucleotide variant.
Coding change: c.16G>A on transcript NM_000031.6 (MANE Select); coding-DNA position 16, G replaced by A.
Protein change: p.Val6Ile; replaces valine 6 with isoleucine.
Molecular consequence: missense variant. On other transcripts: 5 prime UTR variant (1).
Genome position (GRCh38, 1-based): chr9:113,393,544, C>T on the plus strand (G>A on the coding strand, the complement: ALAD is on the minus strand). VCF-style: chr9-113393544-C-T. GRCh37 (hg19) VCF-style: chr9-116155824-C-T.
Other names: c.-64G>A (NM_001003945.3); c.43G>A, p.Val15Ile (NM_001317745.2); short protein forms V6I, V15I.
Identifiers: ClinVar variation 364655 (VCV000364655.29), dbSNP rs766501537, ClinGen allele CA5196675.
Genomic context (GRCh38, chr9:113,393,544, plus strand): 5'-GGGTGGTGGTGGCTGTCTGCCAGGCCCGAAGTAGTGGGTGGAAGTAGCCGCTGTGCAGAA[C>T]GGACTGGGGCTGCATGGCGTGGGCCAGTGGGCACAGGGGCATCAGTTGGTTGGAACCGAG-3'
Protein context (NP_000022.3, residues 1-16): MQPQS[Val6Ile]LHSGYFHPLL

ClinVar aggregate classification (germline): Conflicting classifications of pathogenicity. Review status: criteria provided, conflicting classifications (1 of 4 stars). 3 submissions from 3 submitters: Uncertain significance (2); Likely benign (1). Last evaluated 2025-05-20.

Conditions:
Inborn genetic diseases. Identifiers: MedGen C0950123, MeSH D030342.
Porphobilinogen synthase deficiency. Also called: ALAD DEFICIENCY; DELTA-AMINOLEVULINATE DEHYDRATASE DEFICIENCY; DOSS PORPHYRIA; PORPHYRIA, ALAD; Porphyria due to ALA dehydratase deficiency. Identifiers: Orphanet 100924, MedGen C0268328, MONDO:0013000, OMIM 612740.

Allele frequency attached by ClinVar (database versions not stated): gnomAD 0.00005 and 0.00006; gnomAD exomes 0.00006 and 0.00003; TOPMed 0.00004; ExAC 0.00006.
gnomAD v4.1: 55 of 1,613,444 alleles (0.0034%); highest among the groups gnomAD compares: Admixed American, 0.02%; no homozygotes.

Submissions (3):

Ambry Genetics
Classification: Uncertain significance for Inborn genetic diseases. Last evaluated: 2025-05-20. Review status: criteria provided, single submitter. Criteria: Ambry Variant Classification Scheme 2023. Collection method: clinical testing. Allele origin: germline.

CeGaT Center for Human Genetics Tuebingen
Classification: Likely benign. Last evaluated: 2022-06-01. Review status: criteria provided, single submitter. Criteria: CeGaT Center For Human Genetics Tuebingen Variant Classification Criteria Version 2. Collection method: clinical testing. Allele origin: germline. Affected: yes. Observed: 1 variant allele.
Comment: ALAD: BP4

Illumina Laboratory Services, Illumina
Classification: Uncertain significance for Porphobilinogen synthase deficiency. Last evaluated: 2018-01-13. Review status: criteria provided, single submitter. Criteria: ICSL Variant Classification Criteria 13 December 2019. Collection method: clinical testing. Allele origin: germline.